The following is an entry in ClinVar:

NM_001710.6(CFB):c.856T>C (p.Phe286Leu)

Gene: CFB (complement factor B; plus strand). Cytogenetic location: 6p21.33.
Variant type: single nucleotide variant.
Coding change: c.856T>C on transcript NM_001710.6 (MANE Select); coding-DNA position 856, T replaced by C.
Protein change: p.Phe286Leu; replaces phenylalanine 286 with leucine.
Molecular consequence: missense variant.
Genome position (GRCh38, 1-based): chr6:31,948,040, T>C. VCF-style: chr6-31948040-T-C. GRCh37 (hg19) VCF-style: chr6-31915817-T-C.
Other names: short protein forms F286L.
Identifiers: ClinVar variation 2584501 (VCV002584501.2), dbSNP rs2482685692, ClinGen allele CA363396278.

ClinVar aggregate classification (germline): Pathogenic/Likely pathogenic. Review status: criteria provided, multiple submitters, no conflicts (2 of 4 stars). 2 submissions from 2 submitters: Pathogenic (1); Likely pathogenic (1). Last evaluated 2025-09-26.

Conditions:
Atypical hemolytic-uremic syndrome. Identifiers: Orphanet 2134, MedGen C2931788, MONDO:0016244.
CFB-related disorder. Also called: CFB-related disorders; CFB-related condition.

Submissions (2):

Genomenon, Inc
Classification: Likely pathogenic for Atypical hemolytic-uremic syndrome. Last evaluated: 2025-09-26. Review status: criteria provided, single submitter. Criteria: Genomenon Sequence Variant Interpretation Standards - Updated. Collection method: curation. Allele origin: germline. Affected: yes.
Comment: CFB p.Phe286Leu (c.856T>C) is a missense variant that changes the amino acid at residue 286 from Phenylalanine to Leucine. This variant has been observed in at least one proband affected with atypical hemolytic-uremic syndrome (PMID:23847193). At least one functional study has demonstrated a substantial alteration in protein function relative to the wild-type (PMID:17182750;36846022). It is absent or not present at a significant frequency in gnomAD. In silico models agree that this variant is possibly or probably damaging. In conclusion, we classify CFB p.Phe286Leu (c.856T>C) as a likely pathogenic variant.

Rady Children's Institute for Genomic Medicine, Rady Children's Hospital San Diego
Classification: Pathogenic for CFB-related disorders. Review status: criteria provided, single submitter. Criteria: ACMG Guidelines, 2015. Collection method: clinical testing. Allele origin: germline. Affected: yes.
Comment: This variant has not been previously reported or functionally characterized in the literature to our knowledge. A different nucleotide change (c.858C>G) resulting in the same amino acid change has been previously reported in individuals with atypical hemolytic uremic syndrome (PMID: 17182750, 24906628, 34721423). The c.856T>C (p.Phe286Leu) variant is absent from the gnomAD population database and thus is presumed to be rare. The c.856T>C (p.Phe286Leu) variant affects a highly conserved amino acid and is predicted by multiple in silico tools to have a deleterious effect on protein function. Analysis of the parental samples was negative for the variant, indicating this variant likely occurred as a de novo event. Based on the available evidence, the c.856T>C (p.Phe286Leu) variant is classified as Pathogenic.

Literature cited by the submitters: PubMed 23847193 (cited by Genomenon, Inc).